The following is an entry in ClinVar:

NM_001005242.3(PKP2):c.1379-1966del

Gene: PKP2 (plakophilin 2; minus strand). Cytogenetic location: 12p11.21.
Variant type: Deletion.
Coding change: c.1379-1966del on transcript NM_001005242.3 (MANE Select); 1966 bases into the intron before coding-DNA position 1379, one base deleted (T; older notation c.1379-1966delT).
Molecular consequence: intron variant.
Genome position (GRCh38, 1-based): chr12:32,843,171, A deleted on the plus strand (T on the coding strand, the reverse complement: PKP2 is on the minus strand). VCF-style (leftmost placement, unchanged base first): chr12-32843170-CA-C. GRCh37 (hg19) VCF-style: chr12-32996104-CA-C.
Other names: c.1510+11del (NM_004572.4); c.1510+11delT (NM_004572.4).
Identifiers: ClinVar variation 932196 (VCV000932196.5), dbSNP rs1555144717, ClinGen allele CA479177613.
Genomic context (GRCh38, chr12:32,843,170, plus strand): 5'-GCTGGGATTACAGGCGCAGACCACGACACCCGGCTAATTTTTTTGTATTTTGAGTAGAGA[CA>C]GGGGTCTCACCATGTTGGTCAGGCTGGTCTCGAACTCCTGACCTCGTGATCCGCCCGCCT-3'

ClinVar aggregate classification (germline): Likely benign. Review status: criteria provided, multiple submitters, no conflicts (2 of 4 stars). 2 submissions from 2 submitters: Likely benign (2). Last evaluated 2024-12-20.

Conditions:
Arrhythmogenic right ventricular dysplasia 9 (ARVD9). Also called: ARRHYTHMOGENIC RIGHT VENTRICULAR DYSPLASIA, FAMILIAL, 9; Arrhythmogenic Right Ventricular Dysplasia/Cardiomyopathy 9. Identifiers: MedGen C1836906, MONDO:0012180, OMIM 609040.

Allele frequency attached by ClinVar (database versions not stated): ESP Exome Variant Server 0.08347.

Submissions (2):

Women's Health and Genetics/Laboratory Corporation of America, LabCorp
Classification: Likely benign. Last evaluated: 2024-12-20. Review status: criteria provided, single submitter. Criteria: LabCorp Variant Classification Summary - May 2015. Collection method: clinical testing. Allele origin: germline.
Comment: Variant summary: PKP2 c.1510+11delT alters a non-conserved nucleotide located at a position not widely known to affect splicing. Consensus agreement among computation tools predict no significant impact on normal splicing. However, these predictions have yet to be confirmed by functional studies. The variant was absent in 170706 control chromosomes. The available data on variant occurrences in the general population are insufficient to allow any conclusion about variant significance. To our knowledge, no occurrence of c.1510+11delT in individuals affected with Cardiomyopathy and no experimental evidence demonstrating its impact on protein function have been reported. ClinVar contains an entry for this variant (Variation ID: 932196). Based on the evidence outlined above, the variant was classified as likely benign.

Labcorp Genetics (formerly Invitae), Labcorp
Classification: Likely benign for Arrhythmogenic right ventricular dysplasia 9. Last evaluated: 2024-01-02. Review status: criteria provided, single submitter. Criteria: Invitae Variant Classification Sherloc (09022015). Collection method: clinical testing. Allele origin: germline.